The following is an entry in ClinVar:

NM_000243.3(MEFV):c.2066G>T (p.Trp689Leu)

Genes: MEFV (MEFV innate immunity regulator, pyrin; minus strand), LOC126862264 (CDK7 strongly-dependent group 2 enhancer GRCh37_chr16:3293322-3294521; plus strand). Cytogenetic location: 16p13.3.
Variant type: single nucleotide variant.
Coding change: c.2066G>T on transcript NM_000243.3 (MANE Select); coding-DNA position 2066, G replaced by T.
Protein change: p.Trp689Leu; replaces tryptophan 689 with leucine.
Molecular consequence: missense variant. On other transcripts: 3 prime UTR variant (1).
Genome position (GRCh38, 1-based): chr16:3,243,421, C>A on the plus strand (G>T on the coding strand, the complement: MEFV is on the minus strand). VCF-style: chr16-3243421-C-A. GRCh37 (hg19) VCF-style: chr16-3293421-C-A.
Other names: c.*270G>T (NM_001198536.2); short protein forms W689L.
Identifiers: ClinVar variation 1510093 (VCV001510093.5), dbSNP rs1487302096, ClinGen allele CA394486312.

ClinVar aggregate classification (germline): Uncertain significance (1 of 4 stars; one submission).

Conditions:
Familial Mediterranean fever (FMF). Also called: POLYSEROSITIS, FAMILIAL PAROXYSMAL; POLYSEROSITIS, RECURRENT; Periodic peritonitis; Benign paroxysmal peritonitis. Identifiers: Orphanet 342, MedGen C0031069, MONDO:0018088, OMIM 249100. Disease mechanism: gain of function.

Allele frequency attached by ClinVar (database versions not stated): gnomAD exomes below 0.00001; TOPMed 0.00001; gnomAD 0.00001.
gnomAD v4.1: 2 of 1,614,050 alleles (0.00012%); highest among the groups gnomAD compares: African/African-American, 0.0027%; no homozygotes.

Submission:

Labcorp Genetics (formerly Invitae), Labcorp
Classification: Uncertain significance for Familial Mediterranean fever. Last evaluated: 2021-09-24. Review status: criteria provided, single submitter. Criteria: Invitae Variant Classification Sherloc (09022015). Collection method: clinical testing. Allele origin: germline.
Comment: This sequence change replaces tryptophan with leucine at codon 689 of the MEFV protein (p.Trp689Leu). The tryptophan residue is moderately conserved and there is a small physicochemical difference between tryptophan and leucine. This variant is not present in population databases (ExAC no frequency). This variant has not been reported in the literature in individuals with MEFV-related conditions. Algorithms developed to predict the effect of missense changes on protein structure and function output the following: SIFT: "Deleterious"; PolyPhen-2: "Possibly Damaging"; Align-GVGD: "Class C0". The leucine amino acid residue is found in multiple mammalian species, suggesting that this missense change does not adversely affect protein function. These predictions have not been confirmed by published functional studies and their clinical significance is uncertain. In summary, the available evidence is currently insufficient to determine the role of this variant in disease. Therefore, it has been classified as a Variant of Uncertain Significance.